The following is an entry in ClinVar:

ClinVar aggregate classification (germline): Uncertain significance. Review status: criteria provided, multiple submitters, no conflicts (2 of 4 stars). 3 submissions from 3 submitters: Uncertain significance (3). Last evaluated 2026-05-29.

Conditions:
Autosomal dominant polycystic kidney disease. Identifiers: Orphanet 730, MedGen C0085413, MONDO:0004691.
Inborn genetic diseases. Identifiers: MedGen C0950123, MeSH D030342.
PKD2-related disorder. Also called: PKD2-related condition.

gnomAD v4.1: 8 of 1,609,240 alleles (0.0005%); highest among the groups gnomAD compares: Admixed American, 0.013%; no homozygotes.

Submissions (3):

PreventionGenetics, part of Exact Sciences
Classification: Uncertain significance for PKD2-related condition. Last evaluated: 2026-05-29. Review status: criteria provided, single submitter. Criteria: ACMG Guidelines, 2015. Collection method: clinical testing. Allele origin: germline.
Comment: The PKD2 c.2252C>G variant is predicted to result in the amino acid substitution p.Thr751Ser. To our knowledge, this variant has not been reported in the literature. This variant is reported in 0.020% of alleles in individuals of Latino descent in gnomAD. The REVEL (rare exome variant ensemble learner) program predicts this variant is benign at a "moderate" level (Ioannidis et al. 2016. PubMed ID: 27666373; Bergquist et al. 2025. PubMed ID: 40084623). Although we suspect that this variant may be benign, at this time, the clinical significance of this variant is uncertain due to the absence of conclusive functional and genetic evidence.

Labcorp Genetics (formerly Invitae), Labcorp
Classification: Uncertain significance for Autosomal dominant polycystic kidney disease. Last evaluated: 2025-07-13. Review status: criteria provided, single submitter. Criteria: Invitae Variant Classification Sherloc (09022015). Collection method: clinical testing. Allele origin: germline.
Comment: This sequence change replaces threonine, which is neutral and polar, with serine, which is neutral and polar, at codon 751 of the PKD2 protein (p.Thr751Ser). This variant is present in population databases (rs767798169, gnomAD 0.01%). This variant has not been reported in the literature in individuals affected with PKD2-related conditions. ClinVar contains an entry for this variant (Variation ID: 3627695). Invitae Evidence Modeling of protein sequence and biophysical properties (such as structural, functional, and spatial information, amino acid conservation, physicochemical variation, residue mobility, and thermodynamic stability) indicates that this missense variant is not expected to disrupt PKD2 protein function with a negative predictive value of 80%. In summary, the available evidence is currently insufficient to determine the role of this variant in disease. Therefore, it has been classified as a Variant of Uncertain Significance.

Ambry Genetics
Classification: Uncertain significance for Inborn genetic diseases. Last evaluated: 2025-01-01. Review status: criteria provided, single submitter. Criteria: Ambry Variant Classification Scheme 2023. Collection method: clinical testing. Allele origin: germline.

NM_000297.4(PKD2):c.2252C>G (p.Thr751Ser)

Gene: PKD2 (polycystin 2, transient receptor potential cation channel; plus strand). Cytogenetic location: 4q22.1.
Variant type: single nucleotide variant.
Coding change: c.2252C>G on transcript NM_000297.4 (MANE Select); coding-DNA position 2252, C replaced by G.
Protein change: p.Thr751Ser; replaces threonine 751 with serine.
Molecular consequence: missense variant. On other transcripts: non-coding transcript variant (1).
Genome position (GRCh38, 1-based): chr4:88,065,773, C>G. VCF-style: chr4-88065773-C-G. GRCh37 (hg19) VCF-style: chr4-88986925-C-G.
Other names: c.2252C>G (NM_000297.3); short protein forms T751S.
Identifiers: ClinVar variation 3627695 (VCV003627695.4).